The following is an entry in ClinVar:

NM_001371072.1(USP11):c.91G>A (p.Glu31Lys)

Genes: USP11 (ubiquitin specific peptidase 11; plus strand), LOC119369038 (CRISPRi-FlowFISH-validated HDAC6 regulatory element 1; plus strand). Cytogenetic location: Xp11.3.
Variant type: single nucleotide variant.
Coding change: c.91G>A on transcript NM_001371072.1 (MANE Select); coding-DNA position 91, G replaced by A.
Protein change: p.Glu31Lys; replaces glutamic acid 31 with lysine.
Molecular consequence: missense variant.
Genome position (GRCh38, 1-based): chrX:47,233,134, G>A. VCF-style: chrX-47233134-G-A. GRCh37 (hg19) VCF-style: chrX-47092533-G-A.
Other names: NM_004651.3:c.220G>A; short protein forms E31K.
Identifiers: ClinVar variation 5031644 (VCV005031644.1).

ClinVar aggregate classification (germline): Uncertain significance (1 of 4 stars; one submission).

gnomAD v4.1: 3 of 1,198,044 alleles (0.00025%); highest among the groups gnomAD compares: African/African-American, 0.0018%; no homozygotes.

Submission:

Ambry Genetics
Classification: Uncertain significance. Last evaluated: 2026-08-05. Review status: criteria provided, single submitter. Criteria: Ambry Variant Classification Scheme 2023. Collection method: clinical testing. Allele origin: germline.
Comment: The c.220G>A (p.E74K) alteration is located in exon 1 (coding exon 1) of the USP11 gene. This alteration results from a G to A substitution at nucleotide position 220, causing the glutamic acid (E) at amino acid position 74 to be replaced by a lysine (K). Based on data from gnomAD, the A allele has an overall frequency of 0.001% (2/151557) total alleles studied. The highest observed frequency was 0.01% (1/10238) of African alleles. Based on insufficient or conflicting evidence, the clinical significance of this alteration remains unclear.